The following is an entry in ClinVar:

ClinVar aggregate classification (germline): Uncertain significance (0 of 4 stars; one submission).

Conditions:
WAC-related disorder. Also called: WAC-related condition.

Allele frequency attached by ClinVar (database versions not stated): gnomAD exomes below 0.00001.
gnomAD v4.1: 3 of 1,610,428 alleles (0.00019%); highest among the groups gnomAD compares: Non-Finnish European, 0.00025%; no homozygotes.

Submission:

PreventionGenetics, part of Exact Sciences
Classification: Uncertain significance for WAC-related condition. Last evaluated: 2023-12-26. Review status: no assertion criteria provided. Collection method: clinical testing. Allele origin: germline.
Comment: The WAC c.1589A>G variant is predicted to result in the amino acid substitution p.His530Arg. To our knowledge, this variant has not been reported in the literature or in a large population database, indicating this variant is rare. At this time, the clinical significance of this variant is uncertain due to the absence of conclusive functional and genetic evidence.

NM_016628.5(WAC):c.1589A>G (p.His530Arg)

Gene: WAC (WW domain containing adaptor with coiled-coil; plus strand). Cytogenetic location: 10p12.1.
Variant type: single nucleotide variant.
Coding change: c.1589A>G on transcript NM_016628.5 (MANE Select); coding-DNA position 1589, A replaced by G.
Protein change: p.His530Arg; replaces histidine 530 with arginine.
Molecular consequence: missense variant.
Genome position (GRCh38, 1-based): chr10:28,616,205, A>G. VCF-style: chr10-28616205-A-G. GRCh37 (hg19) VCF-style: chr10-28905134-A-G.
Other names: c.1454A>G, p.His485Arg (NM_100264.3); c.1280A>G, p.His427Arg (NM_100486.4); short protein forms H427R, H485R, H530R.
Identifiers: ClinVar variation 3051637 (VCV003051637.2), dbSNP rs2492209800, ClinGen allele CA376405531.